The following is an entry in ClinVar:

ClinVar aggregate classification (germline): Uncertain significance (1 of 4 stars; one submission).

Conditions:
Very long chain acyl-CoA dehydrogenase deficiency (ACADVLD). Also called: Very Long-Chain Acyl-Coenzyme A Dehydrogenase Deficiency; VLCAD Deficiency. Identifiers: Orphanet 26793, MedGen C3887523, MONDO:0008723, OMIM 201475.

Allele frequency attached by ClinVar (database versions not stated): gnomAD exomes below 0.00001.
gnomAD v4.1: 1 of 1,593,542 alleles (0.000063%); highest among the groups gnomAD compares: Non-Finnish European, 0.000085%; no homozygotes.

Submission:

Labcorp Genetics (formerly Invitae), Labcorp
Classification: Uncertain significance for Very long chain acyl-CoA dehydrogenase deficiency. Last evaluated: 2021-08-27. Review status: criteria provided, single submitter. Criteria: Invitae Variant Classification Sherloc (09022015). Collection method: clinical testing. Allele origin: germline.
Comment: This sequence change replaces leucine with proline at codon 582 of the ACADVL protein (p.Leu582Pro). The leucine residue is highly conserved and there is a moderate physicochemical difference between leucine and proline. This variant is not present in population databases (ExAC no frequency). This variant has not been reported in the literature in individuals affected with ACADVL-related conditions. Advanced modeling of protein sequence and biophysical properties (such as structural, functional, and spatial information, amino acid conservation, physicochemical variation, residue mobility, and thermodynamic stability) performed at Invitae indicates that this missense variant is expected to disrupt ACADVL protein function. In summary, the available evidence is currently insufficient to determine the role of this variant in disease. Therefore, it has been classified as a Variant of Uncertain Significance.

NM_000018.4(ACADVL):c.1745T>C (p.Leu582Pro)

Gene: ACADVL (acyl-CoA dehydrogenase very long chain; plus strand). Cytogenetic location: 17p13.1.
Variant type: single nucleotide variant.
Coding change: c.1745T>C on transcript NM_000018.4 (MANE Select); coding-DNA position 1745, T replaced by C.
Protein change: p.Leu582Pro; replaces leucine 582 with proline.
Molecular consequence: missense variant.
Genome position (GRCh38, 1-based): chr17:7,224,708, T>C. VCF-style: chr17-7224708-T-C. GRCh37 (hg19) VCF-style: chr17-7128027-T-C.
Other names: c.1679T>C, p.Leu560Pro (NM_001033859.3); c.1814T>C, p.Leu605Pro (NM_001270447.2); c.1517T>C, p.Leu506Pro (NM_001270448.2); short protein forms L605P, L506P, L560P, L582P.
Identifiers: ClinVar variation 1437035 (VCV001437035.5), dbSNP rs2142990030, ClinGen allele CA397725783.
Genomic context (GRCh38, chr17:7,224,708, plus strand): 5'-AGTTTCTGCTGCAGCGGCTGGCAGACGGGGCCATCGACCTCTATGCCATGGTGGTGGTTC[T>C]CTCGAGGTGAGGAGGCAGGCAGGGAATGCCTGAGCCGCAGGGGGCCTGGGCCTGGATCCC-3'
Protein context (NP_000009.1, residues 572-592): AIDLYAMVVV[Leu582Pro]SRASRSLSEG